The following is an entry in ClinVar:

ClinVar aggregate classification (germline): Uncertain significance. Review status: criteria provided, multiple submitters, no conflicts (2 of 4 stars). 4 submissions from 4 submitters: Uncertain significance (4). Last evaluated 2026-04-22.

Conditions:
Cardiovascular phenotype. Identifiers: MedGen CN230736.
Sudden unexplained death. Identifiers: MedGen C0520806.
Cardiomyopathy (CMYO). Also called: Cardiomyopathies. Identifiers: Orphanet 167848, MedGen C0878544, MONDO:0004994, HP:0001638. Inheritance: Various modes of inheritance.
Hypertrophic cardiomyopathy. Also called: HYPERTROPHIC MYOCARDIOPATHY. Identifiers: Orphanet 217569, MedGen C0007194, MeSH D002312, MONDO:0005045, HP:0001639.

Allele frequency attached by ClinVar (database versions not stated): ExAC 0.00004; 1000 Genomes Project 0.00020; gnomAD 0.00001; gnomAD exomes 0.00002.

Submissions (4):

Ambry Genetics
Classification: Uncertain significance for Cardiovascular phenotype. Last evaluated: 2026-04-22. Review status: criteria provided, single submitter. Criteria: Ambry Variant Classification Scheme 2023. Collection method: clinical testing. Allele origin: germline.
Comment: The p.R1175W variant (also known as c.3523C>T), located in coding exon 25 of the MYH7 gene, results from a C to T substitution at nucleotide position 3523. The arginine at codon 1175 is replaced by tryptophan, an amino acid with dissimilar properties. This variant was reported in individual(s) with features consistent with hypertrophic cardiomyopathy (HCM) (Bagnall RD et al. J Am Coll Cardiol, 2018 Jul;72:419-429). This amino acid position is highly conserved in available vertebrate species. In addition, this alteration is predicted to be deleterious by in silico analysis. Based on the available evidence, the clinical significance of this variant remains unclear.

Color Diagnostics, LLC DBA Color Health
Classification: Uncertain significance for Cardiomyopathy. Last evaluated: 2025-09-15. Review status: criteria provided, single submitter. Criteria: ACMG Guidelines, 2015. Collection method: clinical testing. Allele origin: germline.
Comment: This missense variant replaces arginine with tryptophan at codon 1175 of the MYH7 protein. Computational prediction suggests that this variant may have deleterious impact on protein structure and function. To our knowledge, functional studies have not been reported for this variant. This variant has been reported in an individual affected with hypertrophic cardiomyopathy (PMID: 30025578). This variant has been identified in 5/214750 chromosomes in the general population by the Genome Aggregation Database (gnomAD). The available evidence is insufficient to determine the role of this variant in disease conclusively. Therefore, this variant is classified as a Variant of Uncertain Significance.

Labcorp Genetics (formerly Invitae), Labcorp
Classification: Uncertain significance for Hypertrophic cardiomyopathy. Last evaluated: 2024-10-24. Review status: criteria provided, single submitter. Criteria: Invitae Variant Classification Sherloc (09022015). Collection method: clinical testing. Allele origin: germline.
Comment: This sequence change replaces arginine, which is basic and polar, with tryptophan, which is neutral and slightly polar, at codon 1175 of the MYH7 protein (p.Arg1175Trp). This variant is present in population databases (rs566368210, gnomAD 0.01%). This missense change has been observed in individual(s) with hypertrophic cardiomyopathy (PMID: 32894683). ClinVar contains an entry for this variant (Variation ID: 454367). Invitae Evidence Modeling of protein sequence and biophysical properties (such as structural, functional, and spatial information, amino acid conservation, physicochemical variation, residue mobility, and thermodynamic stability) indicates that this missense variant is expected to disrupt MYH7 protein function with a positive predictive value of 95%. In summary, the available evidence is currently insufficient to determine the role of this variant in disease. Therefore, it has been classified as a Variant of Uncertain Significance.

Agnes Ginges Centre for Molecular Cardiology, Centenary Institute
Classification: Uncertain significance for sudden unexplained death. Last evaluated: 2018-02-23. Review status: criteria provided, single submitter. Criteria: ACMG Guidelines, 2015. Collection method: research. Allele origin: germline. Inheritance: Autosomal dominant inheritance. Affected: yes.
Comment: MYH7 Arg1175Trp has been previously reported in a childhood myopathy case (Invitae, Pers. Comm.). The variant is present at a low frequency in the Genome Aggregation Database (MAF= 0.00002). In silico prediction tools SIFT, PolyPhen-HCM and MutationTaster predict this variant to be deleterious. In summary, based rarity in the general population and in silico tools predicting a deleterious affect we classify MYH7 Arg1175Trp as a variant of 'uncertain significance'.

Literature cited by the submitters: PubMed 30025578 (cited by Ambry Genetics and Color Diagnostics, LLC DBA Color Health); PubMed 32894683 (cited by Labcorp Genetics (formerly Invitae), Labcorp).

NM_000257.4(MYH7):c.3523C>T (p.Arg1175Trp)

Gene: MYH7 (myosin heavy chain 7; minus strand). Cytogenetic location: 14q11.2.
Variant type: single nucleotide variant.
Coding change: c.3523C>T on transcript NM_000257.4 (MANE Select); coding-DNA position 3523, C replaced by T.
Protein change: p.Arg1175Trp; replaces arginine 1175 with tryptophan.
Molecular consequence: missense variant.
Genome position (GRCh38, 1-based): chr14:23,420,048, G>A on the plus strand (C>T on the coding strand, the complement: MYH7 is on the minus strand). VCF-style: chr14-23420048-G-A. GRCh37 (hg19) VCF-style: chr14-23889257-G-A.
Other names: short protein forms R1175W.
Identifiers: ClinVar variation 454367 (VCV000454367.11), dbSNP rs566368210, ClinGen allele CA037752.